The following is an entry in ClinVar:

NM_032638.5(GATA2):c.1376T>C (p.Ile459Thr)

Gene: GATA2 (GATA binding protein 2; minus strand). Cytogenetic location: 3q21.3.
Variant type: single nucleotide variant.
Coding change: c.1376T>C on transcript NM_032638.5 (MANE Select); coding-DNA position 1376, T replaced by C.
Protein change: p.Ile459Thr; replaces isoleucine 459 with threonine.
Molecular consequence: missense variant.
Genome position (GRCh38, 1-based): chr3:128,481,086, A>G on the plus strand (T>C on the coding strand, the complement: GATA2 is on the minus strand). VCF-style: chr3-128481086-A-G. GRCh37 (hg19) VCF-style: chr3-128199929-A-G.
Other names: c.1376T>C, p.Ile459Thr (NM_001145661.2); c.1334T>C, p.Ile445Thr (NM_001145662.1); c.1376T>C (NM_001145661.1); short protein forms I445T, I459T.
Identifiers: ClinVar variation 942923 (VCV000942923.9), dbSNP rs369407958, ClinGen allele CA2599784.

ClinVar aggregate classification (germline): Uncertain significance. Review status: criteria provided, multiple submitters, no conflicts (2 of 4 stars). 2 submissions from 2 submitters: Uncertain significance (2). Last evaluated 2026-07-07.

Conditions:
Deafness-lymphedema-leukemia syndrome. Also called: Lymphedema, primary, with myelodysplasia; Emberger syndrome. Identifiers: Orphanet 3226, MedGen C3279664, MONDO:0013540, OMIM 614038.
Monocytopenia with susceptibility to infections. Also called: COMBINED IMMUNODEFICIENCY WITH SUSCEPTIBILITY TO MYCOBACTERIAL, VIRAL, AND FUNGAL INFECTIONS; MONOCYTOPENIA AND MYCOBACTERIAL INFECTION SYNDROME; MONOCYTOPENIA WITH SUSCEPTIBILITY TO MYCOBACTERIAL, FUNGAL, AND PAPILLOMAVIRUS INFECTIONS AND MYELODYSPLASIA; Dendritic cell, monocyte, B lymphocyte, and natural killer lymphocyte deficiency; IMMUNODEFICIENCY 21; GATA2 DEFICIENCY. Identifiers: Orphanet 228423, MedGen C3280030, MONDO:0013607, OMIM 614172.
Inborn genetic diseases. Identifiers: MedGen C0950123, MeSH D030342.

gnomAD v4.1: 2 of 1,608,530 alleles (0.00012%); highest among the groups gnomAD compares: Non-Finnish European, 0.00017%; no homozygotes.

Submissions (2):

Ambry Genetics
Classification: Uncertain significance for Inborn genetic diseases. Last evaluated: 2026-07-07. Review status: criteria provided, single submitter. Criteria: Ambry Variant Classification Scheme 2023. Collection method: clinical testing. Allele origin: germline.
Comment: The p.I459T variant (also known as c.1376T>C), located in coding exon 5 of the GATA2 gene, results from a T to C substitution at nucleotide position 1376. The isoleucine at codon 459 is replaced by threonine, an amino acid with similar properties. This amino acid position is conserved. In addition, the in silico prediction for this alteration is inconclusive. Based on the available evidence, the clinical significance of this variant remains unclear.

Labcorp Genetics (formerly Invitae), Labcorp
Classification: Uncertain significance for Monocytopenia with susceptibility to infections; Deafness-lymphedema-leukemia syndrome. Last evaluated: 2020-12-07. Review status: criteria provided, single submitter. Criteria: Invitae Variant Classification Sherloc (09022015). Collection method: clinical testing. Allele origin: germline.
Comment: In summary, the available evidence is currently insufficient to determine the role of this variant in disease. Therefore, it has been classified as a Variant of Uncertain Significance. Algorithms developed to predict the effect of missense changes on protein structure and function are either unavailable or do not agree on the potential impact of this missense change (SIFT: "Tolerated"; PolyPhen-2: "Probably Damaging"; Align-GVGD: "Class C0"). This variant has not been reported in the literature in individuals with GATA2-related conditions. This variant is present in population databases (rs369407958, ExAC 0.003%). This sequence change replaces isoleucine with threonine at codon 459 of the GATA2 protein (p.Ile459Thr). The isoleucine residue is moderately conserved and there is a moderate physicochemical difference between isoleucine and threonine.